The following is an entry in ClinVar:

ClinVar aggregate classification (germline): Uncertain significance (1 of 4 stars; one submission).

Conditions:
Cardiovascular phenotype. Identifiers: MedGen CN230736.

gnomAD v4.1: 3 of 1,600,426 alleles (0.00019%); highest among the groups gnomAD compares: East Asian, 0.0022%; no homozygotes.

Submission:

Ambry Genetics
Classification: Uncertain significance for Cardiovascular phenotype. Last evaluated: 2025-10-05. Review status: criteria provided, single submitter. Criteria: Ambry Variant Classification Scheme 2023. Collection method: clinical testing. Allele origin: germline.
Comment: The p.P324L variant (also known as c.971C>T), located in coding exon 8 of the PPP1CB gene, results from a C to T substitution at nucleotide position 971. The proline at codon 324 is replaced by leucine, an amino acid with similar properties. This amino acid position is conserved. In addition, this alteration is predicted to be tolerated by in silico analysis. Based on the available evidence, the clinical significance of this variant remains unclear.

NM_002709.3(PPP1CB):c.971C>T (p.Pro324Leu)

Gene: PPP1CB (protein phosphatase 1 catalytic subunit beta; plus strand). Cytogenetic location: 2p23.2.
Variant type: single nucleotide variant.
Coding change: c.971C>T on transcript NM_002709.3 (MANE Select); coding-DNA position 971, C replaced by T.
Protein change: p.Pro324Leu; replaces proline 324 with leucine.
Molecular consequence: missense variant.
Genome position (GRCh38, 1-based): chr2:28,799,290, C>T. VCF-style: chr2-28799290-C-T. GRCh37 (hg19) VCF-style: chr2-29022156-C-T.
Other names: c.971C>T, p.Pro324Leu (NM_206876.2); short protein forms P324L.
Identifiers: ClinVar variation 4614736 (VCV004614736.1).